The following is an entry in ClinVar:

ClinVar aggregate classification (germline): Uncertain significance (1 of 4 stars; one submission).

Conditions:
Alstrom syndrome (ALMS). Identifiers: Orphanet 64, MedGen C0268425, MONDO:0008763, OMIM 203800.

Allele frequency attached by ClinVar (database versions not stated): ExAC 0.00001.
gnomAD v4.1: 3 of 1,613,152 alleles (0.00019%); highest among the groups gnomAD compares: Admixed American, 0.005%; no homozygotes.

Submission:

Labcorp Genetics (formerly Invitae), Labcorp
Classification: Uncertain significance for Alstrom syndrome. Last evaluated: 2025-02-10. Review status: criteria provided, single submitter. Criteria: Invitae Variant Classification Sherloc (09022015). Collection method: clinical testing. Allele origin: germline.
Comment: This sequence change replaces glutamine, which is neutral and polar, with proline, which is neutral and non-polar, at codon 247 of the ALMS1 protein (p.Gln247Pro). This variant is present in population databases (rs779584471, gnomAD 0.006%). This variant has not been reported in the literature in individuals affected with ALMS1-related conditions. ClinVar contains an entry for this variant (Variation ID: 1378352). Experimental studies and prediction algorithms are not available or were not evaluated, and the functional significance of this variant is currently unknown. In summary, the available evidence is currently insufficient to determine the role of this variant in disease. Therefore, it has been classified as a Variant of Uncertain Significance.

NM_001378454.1(ALMS1):c.737A>C (p.Gln246Pro)

Gene: ALMS1 (ALMS1 centrosome and basal body associated protein; plus strand). Cytogenetic location: 2p13.1.
Variant type: single nucleotide variant.
Coding change: c.737A>C on transcript NM_001378454.1 (MANE Select); coding-DNA position 737, A replaced by C.
Protein change: p.Gln246Pro; replaces glutamine 246 with proline.
Molecular consequence: missense variant.
Genome position (GRCh38, 1-based): chr2:73,422,947, A>C. VCF-style: chr2-73422947-A-C. GRCh37 (hg19) VCF-style: chr2-73650075-A-C.
Other names: c.740A>C, p.Gln247Pro (NM_015120.4); short protein forms Q246P, Q247P.
Identifiers: ClinVar variation 1378352 (VCV001378352.4), dbSNP rs779584471, ClinGen allele CA1712942.